The following is an entry in ClinVar:

NM_014425.5(INVS):c.2481C>G (p.His827Gln)

Gene: INVS (inversin; plus strand). Cytogenetic location: 9q31.1.
Variant type: single nucleotide variant.
Coding change: c.2481C>G on transcript NM_014425.5 (MANE Select); coding-DNA position 2481, C replaced by G.
Protein change: p.His827Gln; replaces histidine 827 with glutamine.
Molecular consequence: missense variant. On other transcripts: non-coding transcript variant (1).
Genome position (GRCh38, 1-based): chr9:100,292,738, C>G. VCF-style: chr9-100292738-C-G. GRCh37 (hg19) VCF-style: chr9-103055020-C-G.
Other names: c.2193C>G, p.His731Gln (NM_001318381.2); c.1503C>G, p.His501Gln (NM_001318382.2); short protein forms H501Q, H731Q, H827Q.
Identifiers: ClinVar variation 3348178 (VCV003348178.1).

ClinVar aggregate classification (germline): Uncertain significance (0 of 4 stars; one submission).

Conditions:
INVS-related disorder. Also called: INVS-related condition.

gnomAD v4.1: 1 of 1,614,150 alleles (0.000062%); highest among the groups gnomAD compares: Non-Finnish European, 0.000085%; no homozygotes.

Submission:

PreventionGenetics, part of Exact Sciences
Classification: Uncertain significance for INVS-related condition. Last evaluated: 2024-03-28. Review status: no assertion criteria provided. Collection method: clinical testing. Allele origin: germline.
Comment: The INVS c.2481C>G variant is predicted to result in the amino acid substitution p.His827Gln. To our knowledge, this variant has not been reported in the literature. This variant is reported in 0.00090% of alleles in individuals of European (Non-Finnish) descent in gnomAD. At this time, the clinical significance of this variant is uncertain due to the absence of conclusive functional and genetic evidence.